The following is an entry in ClinVar:

ClinVar aggregate classification (germline): Pathogenic (1 of 4 stars; one submission).

Conditions:
Saldino-Mainzer syndrome (SRTD9). Also called: CONORENAL SYNDROME; Renal dysplasia, retinal pigmentary dystrophy, cerebellar ataxia and skeletal dysplasia; SHORT-RIB THORACIC DYSPLASIA 9 WITHOUT POLYDACTYLY; short-rib thoracic dysplasia 9 with or without polydactyly. Identifiers: Orphanet 140969, MedGen C1849437, MONDO:0009964, OMIM 266920.

Submission:

Labcorp Genetics (formerly Invitae), Labcorp
Classification: Pathogenic for Saldino-Mainzer syndrome. Last evaluated: 2025-06-05. Review status: criteria provided, single submitter. Criteria: Invitae Variant Classification Sherloc (09022015). Collection method: clinical testing. Allele origin: germline.
Comment: This sequence change creates a premature translational stop signal (p.Val295Glyfs*22) in the IFT140 gene. It is expected to result in an absent or disrupted protein product. Loss-of-function variants in IFT140 are known to be pathogenic (PMID: 22503633, 23418020, 24009529, 26216056). This variant is not present in population databases (gnomAD no frequency). This variant has not been reported in the literature in individuals affected with IFT140-related conditions. For these reasons, this variant has been classified as Pathogenic.

Literature cited by the submitters: PubMed 22503633; PubMed 23418020; PubMed 24009529; PubMed 26216056.

NM_014714.4(IFT140):c.884_885del (p.Val295fs)

Genes: IFT140 (intraflagellar transport 140; minus strand), LOC105371046 (uncharacterized LOC105371046; plus strand). Cytogenetic location: 16p13.3.
Variant type: Deletion.
Coding change: c.884_885del on transcript NM_014714.4 (MANE Select); coding-DNA positions 884 to 885, 2 bases deleted (TC; older notation c.884_885delTC).
Protein change: p.Val295fs; shifts the reading frame from valine 295.
Molecular consequence: frameshift variant.
Genome position (GRCh38, 1-based): chr16:1,587,950-1,587,951, GA deleted on the plus strand (TC on the coding strand, the reverse complement: IFT140 is on the minus strand). VCF-style (leftmost placement, unchanged base first): chr16-1587949-CGA-C. GRCh37 (hg19) VCF-style: chr16-1637950-CGA-C.
Other names: short protein forms V295fs.
Identifiers: ClinVar variation 4720512 (VCV004720512.1).